The following is an entry in ClinVar:

NM_001367561.1(DOCK7):c.3460G>C (p.Ala1154Pro)

Gene: DOCK7 (dedicator of cytokinesis 7; minus strand). Cytogenetic location: 1p31.3.
Variant type: single nucleotide variant.
Coding change: c.3460G>C on transcript NM_001367561.1 (MANE Select); coding-DNA position 3460, G replaced by C.
Protein change: p.Ala1154Pro; replaces alanine 1154 with proline.
Molecular consequence: missense variant.
Genome position (GRCh38, 1-based): chr1:62,537,902, C>G on the plus strand (G>C on the coding strand, the complement: DOCK7 is on the minus strand). VCF-style: chr1-62537902-C-G. GRCh37 (hg19) VCF-style: chr1-63003573-C-G.
Other names: c.3460G>C, p.Ala1154Pro (NM_001271999.2, NM_001330614.2); c.3367G>C, p.Ala1123Pro (NM_001272000.2, NM_001272001.2, NM_033407.4); short protein forms A1123P, A1154P.
Identifiers: ClinVar variation 1713666 (VCV001713666.6), dbSNP rs2524751414, ClinGen allele CA340606317.

ClinVar aggregate classification (germline): Uncertain significance (1 of 4 stars; one submission).

Conditions:
Developmental and epileptic encephalopathy, 23 (DEE23). Also called: Epileptic encephalopathy, early infantile, 23. Identifiers: Orphanet 411986, MedGen C4014492, MONDO:0014371, OMIM 615859.

Allele frequency attached by ClinVar (database versions not stated): gnomAD exomes below 0.00001.
gnomAD v4.1: 1 of 1,612,922 alleles (0.000062%); highest among the groups gnomAD compares: Non-Finnish European, 0.000085%; no homozygotes.

Submission:

Labcorp Genetics (formerly Invitae), Labcorp
Classification: Uncertain significance for Developmental and epileptic encephalopathy, 23. Last evaluated: 2022-07-24. Review status: criteria provided, single submitter. Criteria: Invitae Variant Classification Sherloc (09022015). Collection method: clinical testing. Allele origin: germline.
Comment: In summary, the available evidence is currently insufficient to determine the role of this variant in disease. Therefore, it has been classified as a Variant of Uncertain Significance. Algorithms developed to predict the effect of missense changes on protein structure and function are either unavailable or do not agree on the potential impact of this missense change (SIFT: "Tolerated"; PolyPhen-2: "Possibly Damaging"; Align-GVGD: "Class C0"). This variant has not been reported in the literature in individuals affected with DOCK7-related conditions. This variant is not present in population databases (gnomAD no frequency). This sequence change replaces alanine, which is neutral and non-polar, with proline, which is neutral and non-polar, at codon 1154 of the DOCK7 protein (p.Ala1154Pro).